The following is an entry in ClinVar:

NM_001005242.3(PKP2):c.1379-1972G>A

Gene: PKP2 (plakophilin 2; minus strand). Cytogenetic location: 12p11.21.
Variant type: single nucleotide variant.
Coding change: c.1379-1972G>A on transcript NM_001005242.3 (MANE Select); 1972 bases into the intron before coding-DNA position 1379, G replaced by A.
Molecular consequence: intron variant.
Genome position (GRCh38, 1-based): chr12:32,843,177, C>T on the plus strand (G>A on the coding strand, the complement: PKP2 is on the minus strand). VCF-style: chr12-32843177-C-T. GRCh37 (hg19) VCF-style: chr12-32996111-C-T.
Other names: c.1510+5G>A (NM_004572.4).
Identifiers: ClinVar variation 239953 (VCV000239953.34), dbSNP rs779392697, ClinGen allele CA029012.
Genomic context (GRCh38, chr12:32,843,177, plus strand): 5'-TTACAGGCGCAGACCACGACACCCGGCTAATTTTTTTGTATTTTGAGTAGAGACAGGGGT[C>T]TCACCATGTTGGTCAGGCTGGTCTCGAACTCCTGACCTCGTGATCCGCCCGCCTTGGCCT-3'

ClinVar aggregate classification (germline): Conflicting classifications of pathogenicity. Review status: criteria provided, conflicting classifications (1 of 4 stars). 9 submissions from 9 submitters: Uncertain significance (6); Likely benign (1). 2 of the submissions do not count toward it. Last evaluated 2026-01-26.

Conditions:
Cardiovascular phenotype. Identifiers: MedGen CN230736.
Cardiomyopathy (CMYO). Also called: Cardiomyopathies. Identifiers: Orphanet 167848, MedGen C0878544, MONDO:0004994, HP:0001638. Inheritance: Various modes of inheritance.
Arrhythmogenic right ventricular dysplasia 9 (ARVD9). Also called: Arrhythmogenic Right Ventricular Dysplasia/Cardiomyopathy 9; ARRHYTHMOGENIC RIGHT VENTRICULAR DYSPLASIA, FAMILIAL, 9. Identifiers: MedGen C1836906, MONDO:0012180, OMIM 609040.

Allele frequency attached by ClinVar (database versions not stated): ExAC below 0.00001; gnomAD exomes 0.00001 and 0.00003; gnomAD 0.00002.
gnomAD v4.1: 12 of 488,124 alleles (0.0025%); highest among the groups gnomAD compares: Admixed American, 0.0045%; no homozygotes.

Submissions (10):

Labcorp Genetics (formerly Invitae), Labcorp
Classification: Uncertain significance for Arrhythmogenic right ventricular dysplasia 9. Last evaluated: 2026-01-26. Review status: criteria provided, single submitter. Criteria: Invitae Variant Classification Sherloc (09022015). Collection method: clinical testing. Allele origin: germline.
Comment: This sequence change falls in intron 6 of the PKP2 gene. It does not directly change the encoded amino acid sequence of the PKP2 protein. It affects a nucleotide within the consensus splice site. This variant is present in population databases (rs779392697, gnomAD 0.01%). This variant has been observed in individual(s) with dilated cardiomyopathy, cardiac arrest and/or arrhythmogenic cardiomyopathy (PMID: 32826072, 35819174, 36138163). ClinVar contains an entry for this variant (Variation ID: 239953). Variants that disrupt the consensus splice site are a relatively common cause of aberrant splicing (PMID: 17576681, 9536098). Algorithms developed to predict the effect of sequence changes on RNA splicing suggest that this variant may disrupt the consensus splice site. In summary, the available evidence is currently insufficient to determine the role of this variant in disease. Therefore, it has been classified as a Variant of Uncertain Significance.

Color Diagnostics, LLC DBA Color Health
Classification: Uncertain significance for Cardiomyopathy. Last evaluated: 2024-07-26. Review status: criteria provided, single submitter. Criteria: ACMG Guidelines, 2015. Collection method: clinical testing. Allele origin: germline.
Comment: This variant causes a G to A nucleotide substitution at the +5 position of intron 6 of the PKP2 gene. To our knowledge, functional studies have not been reported for this variant. This variant has been reported in an individual affected with arrhythmogenic cardiomyopathy (PMID: 35819174) and in an individual affected with dilated cardiomyopathy (PMID: 32826072). It has also been reported in an individual affected with a heritable arrhythmias and/or cardiomyopathy who also carried a pathogenic truncation variant in the same gene (PMID: 36138163). This variant has been identified in 5/211564 chromosomes in the general population by the Genome Aggregation Database (gnomAD). The available evidence is insufficient to determine the role of this variant in disease conclusively. Therefore, this variant is classified as a Variant of Uncertain Significance.

Ambry Genetics
Classification: Likely benign for Cardiovascular phenotype. Last evaluated: 2023-10-18. Review status: criteria provided, single submitter. Criteria: Ambry Variant Classification Scheme 2023. Collection method: clinical testing. Allele origin: germline.

Women's Health and Genetics/Laboratory Corporation of America, LabCorp
Classification: Uncertain significance. Last evaluated: 2021-11-15. Review status: criteria provided, single submitter. Criteria: LabCorp Variant Classification Summary - May 2015. Collection method: clinical testing. Allele origin: germline.
Comment: Variant summary: PKP2 c.1510+5G>A alters a non-conserved nucleotide located close to a canonical splice site and therefore could affect mRNA splicing, leading to a significantly altered protein sequence. Several computational tools predict a significant impact on normal splicing: Two predict the variant abolishes the canonical 5' splicing donor site. Two predict the variant weakens the canonical 5' splice donor site. However, these predictions have yet to be confirmed by functional studies. The variant allele was found at a frequency of 1.1e-05 in 181044 control chromosomes. The available data on variant occurrences in the general population are insufficient to allow any conclusion about variant significance. c.1510+5G>A has been reported in the literature in a study of individuals enrolled in MyCode Community Health Initiative of Geisinger Health System (GHS), an IRB-approved research biorepository and precision medicine project (Haggerty_2017). These report(s) do not provide unequivocal conclusions about association of the variant with Cardiomyopathy. At-least two co-occurrences with other pathogenic variant(s) have been reported at our laboratory (HCM-MYBPC3 c.1505G>A, p.Arg502Gln; ARVD-PKP2 c.2509delA, p.Ser837fs), providing supporting evidence for a benign role. To our knowledge, no experimental evidence demonstrating an impact on protein function has been reported. Four clinical diagnostic laboratories have submitted clinical-significance assessments for this variant to ClinVar after 2014 without evidence for independent evaluation. All laboratories classified the variant as uncertain significance. Based on the evidence outlined above, the variant was classified as VUS-possibly benign.

CHEO Genetics Diagnostic Laboratory, Children's Hospital of Eastern Ontario
Classification: Uncertain significance for Cardiomyopathy. Last evaluated: 2021-05-28. Review status: criteria provided, single submitter. Criteria: ACMG Guidelines, 2015. Collection method: clinical testing. Allele origin: germline.

Laboratory for Molecular Medicine, Mass General Brigham Personalized Medicine
Classification: Uncertain significance. Last evaluated: 2017-12-29. Review status: criteria provided, single submitter. Criteria: LMM Criteria. Collection method: clinical testing. Allele origin: germline. Observed: 1 variant allele.
Comment: The c.1510+5G>A variant in PKP2 has not been reported in the literature, but was identified in 3/27754 of Latino and 3/91752 of European chromosomes by the Geno me Aggregation Database (gnomAD; dbSNP rs77939 2697). This variant has also been reported in ClinVar (Variation ID:239953). Thi s variant is located in the 5' splice region. Computational tools suggest some i mpact to splicing. However, this information is not predictive enough to determi ne pathogenicity. In summary, the clinical significance of the c.1510+5G>A varia nt is uncertain. ACMG/AMP Criteria applied: PP3.

Breakthrough Genomics
Classification: Uncertain significance. Review status: criteria provided, single submitter. Criteria: ACMG Guidelines, 2015. Collection method: not provided. Allele origin: germline. Inheritance: Autosomal dominant inheritance. Affected: yes.

Dr. Peter K. Rogan Lab, Western University
No classification provided (evidence only). Condition: Acute myeloid leukemia. Review status: no classification provided. Collection method: in vitro. Allele origin: not applicable. Functional consequence: retained intron. Not counted in ClinVar's aggregate classification.

Genome Diagnostics Laboratory, University Medical Center Utrecht
Classification: Uncertain significance. Review status: no assertion criteria provided. Collection method: clinical testing. Allele origin: germline. Affected: yes. Study: VKGL Data-share Consensus. Not counted in ClinVar's aggregate classification.

Joint Genome Diagnostic Labs from Nijmegen and Maastricht, Radboudumc and MUMC+
Classification: Uncertain significance. Review status: no assertion criteria provided. Collection method: clinical testing. Allele origin: germline. Affected: yes. Study: VKGL Data-share Consensus. Not counted in ClinVar's aggregate classification.

Literature cited by the submitters: PubMed 32826072 (cited by Labcorp Genetics (formerly Invitae), Labcorp and Color Diagnostics, LLC DBA Color Health); PubMed 35819174 (cited by 3 submitters); PubMed 36138163 (cited by Labcorp Genetics (formerly Invitae), Labcorp and Color Diagnostics, LLC DBA Color Health); PubMed 17576681 (cited by Labcorp Genetics (formerly Invitae), Labcorp); PubMed 9536098 (cited by Labcorp Genetics (formerly Invitae), Labcorp); PubMed 28471438 (cited by Women's Health and Genetics/Laboratory Corporation of America, LabCorp); PubMed 31402444 (cited by Women's Health and Genetics/Laboratory Corporation of America, LabCorp).